The following is an entry in ClinVar:

ClinVar aggregate classification (germline): Uncertain significance (1 of 4 stars; one submission).

Submission:

Ambry Genetics
Classification: Uncertain significance. Last evaluated: 2021-08-11. Review status: criteria provided, single submitter. Criteria: Ambry Variant Classification Scheme 2023. Collection method: clinical testing. Allele origin: germline.
Comment: The p.E724K variant (also known as c.2170G>A), located in coding exon 20 of the PRKDC gene, results from a G to A substitution at nucleotide position 2170. The glutamic acid at codon 724 is replaced by lysine, an amino acid with similar properties. This amino acid position is conserved. In addition, this alteration is predicted to be deleterious by in silico analysis. Since supporting evidence is limited at this time, the clinical significance of this alteration remains unclear.

NM_006904.7(PRKDC):c.2170G>A (p.Glu724Lys)

Gene: PRKDC (protein kinase, DNA-activated, catalytic subunit; minus strand). Cytogenetic location: 8q11.21.
Variant type: single nucleotide variant.
Coding change: c.2170G>A on transcript NM_006904.7 (MANE Select); coding-DNA position 2170, G replaced by A.
Protein change: p.Glu724Lys; replaces glutamic acid 724 with lysine.
Molecular consequence: missense variant.
Genome position (GRCh38, 1-based): chr8:47,927,860, C>T on the plus strand (G>A on the coding strand, the complement: PRKDC is on the minus strand). VCF-style: chr8-47927860-C-T. GRCh37 (hg19) VCF-style: chr8-48840420-C-T.
Other names: c.2170G>A, p.Glu724Lys (NM_001081640.2); short protein forms E724K.
Identifiers: ClinVar variation 1787093 (VCV001787093.2), dbSNP rs2551878299, ClinGen allele CA371162811.